The following is an entry in ClinVar:

NM_001372076.1(PAX9):c.290T>A (p.Ile97Asn)

Gene: PAX9 (paired box 9; plus strand). Cytogenetic location: 14q13.3.
Variant type: single nucleotide variant.
Coding change: c.290T>A on transcript NM_001372076.1 (MANE Select); coding-DNA position 290, T replaced by A.
Protein change: p.Ile97Asn; replaces isoleucine 97 with asparagine.
Molecular consequence: missense variant.
Genome position (GRCh38, 1-based): chr14:36,663,182, T>A. VCF-style: chr14-36663182-T-A. GRCh37 (hg19) VCF-style: chr14-37132387-T-A.
Other names: c.290T>A, p.Ile97Asn (NM_006194.4); short protein forms I97N.
Identifiers: ClinVar variation 1009882 (VCV001009882.8), dbSNP rs1881349234, ClinGen allele CA389466520.

ClinVar aggregate classification (germline): Uncertain significance (1 of 4 stars; one submission).

Conditions:
Hypodontia. Also called: Tooth agenesis, selective; Partial congenital absence of teeth; TOOTH AGENESIS, FAMILIAL. Identifiers: Orphanet 99798, MedGen C0020608, MONDO:0005486, HP:0000668. Disease mechanism: loss of function.

Submission:

Labcorp Genetics (formerly Invitae), Labcorp
Classification: Uncertain significance for Hypodontia. Last evaluated: 2020-11-05. Review status: criteria provided, single submitter. Criteria: Invitae Variant Classification Sherloc (09022015). Collection method: clinical testing. Allele origin: germline.
Comment: This variant has been observed in individual(s) with clinical features of tooth agenesis (Invitae). Algorithms developed to predict the effect of missense changes on protein structure and function (SIFT, PolyPhen-2, Align-GVGD) all suggest that this variant is likely to be disruptive, but these predictions have not been confirmed by published functional studies and their clinical significance is uncertain. In summary, the available evidence is currently insufficient to determine the role of this variant in disease. Therefore, it has been classified as a Variant of Uncertain Significance. This variant is not present in population databases (ExAC no frequency). This sequence change replaces isoleucine with asparagine at codon 97 of the PAX9 protein (p.Ile97Asn). The isoleucine residue is highly conserved and there is a large physicochemical difference between isoleucine and asparagine.